The following is an entry in ClinVar:

ClinVar aggregate classification (germline): Uncertain significance (1 of 4 stars; one submission).

Conditions:
Hereditary cancer-predisposing syndrome. Also called: Neoplastic Syndromes, Hereditary; Tumor predisposition; Hereditary Cancer Syndrome; Hereditary neoplastic syndrome. Identifiers: Orphanet 140162, MedGen C0027672, MeSH D009386, MONDO:0015356.

Submission:

Ambry Genetics
Classification: Uncertain significance for Hereditary cancer-predisposing syndrome. Last evaluated: 2026-02-16. Review status: criteria provided, single submitter. Criteria: Ambry Variant Classification Scheme 2023. Collection method: clinical testing. Allele origin: germline.
Comment: The p.A7V variant (also known as c.20C>T), located in coding exon 1 of the PRKAR1A gene, results from a C to T substitution at nucleotide position 20. The alanine at codon 7 is replaced by valine, an amino acid with similar properties. This amino acid position is conserved. In addition, the in silico prediction for this alteration is inconclusive. Based on the available evidence, the clinical significance of this variant remains unclear.

NM_002734.5(PRKAR1A):c.20C>T (p.Ala7Val)

Gene: PRKAR1A (protein kinase cAMP-dependent type I regulatory subunit alpha; plus strand). Cytogenetic location: 17q24.2.
Variant type: single nucleotide variant.
Coding change: c.20C>T on transcript NM_002734.5 (MANE Select); coding-DNA position 20, C replaced by T.
Protein change: p.Ala7Val; replaces alanine 7 with valine.
Molecular consequence: missense variant.
Genome position (GRCh38, 1-based): chr17:68,515,419, C>T. VCF-style: chr17-68515419-C-T. GRCh37 (hg19) VCF-style: chr17-66511560-C-T.
Other names: c.20C>T, p.Ala7Val (NM_001276289.2, NM_001276290.1, NM_001278433.2 and 4 more transcripts); short protein forms A7V.
Identifiers: ClinVar variation 4844137 (VCV004844137.1).